The following is an entry in ClinVar:

ClinVar aggregate classification (germline): Uncertain significance. Review status: criteria provided, multiple submitters, no conflicts (2 of 4 stars). 2 submissions from 2 submitters: Uncertain significance (2). Last evaluated 2025-04-10.

Conditions:
Inborn genetic diseases. Identifiers: MedGen C0950123, MeSH D030342.

Allele frequency attached by ClinVar (database versions not stated): gnomAD exomes 0.00001; ExAC 0.00001; gnomAD 0.00001; TOPMed 0.00001.
gnomAD v4.1: 5 of 1,613,786 alleles (0.00031%); highest among the groups gnomAD compares: African/African-American, 0.0027%; no homozygotes.

Submissions (2):

Labcorp Genetics (formerly Invitae), Labcorp
Classification: Uncertain significance. Last evaluated: 2025-04-10. Review status: criteria provided, single submitter. Criteria: Invitae Variant Classification Sherloc (09022015). Collection method: clinical testing. Allele origin: germline.
Comment: This sequence change replaces proline, which is neutral and non-polar, with serine, which is neutral and polar, at codon 642 of the CDH2 protein (p.Pro642Ser). This variant is present in population databases (rs777119036, gnomAD 0.002%). This variant has not been reported in the literature in individuals affected with CDH2-related conditions. ClinVar contains an entry for this variant (Variation ID: 2239265). An algorithm developed to predict the effect of missense changes on protein structure and function (PolyPhen-2) suggests that this variant is likely to be disruptive. In summary, the available evidence is currently insufficient to determine the role of this variant in disease. Therefore, it has been classified as a Variant of Uncertain Significance.

Ambry Genetics
Classification: Uncertain significance for Inborn genetic diseases. Last evaluated: 2024-07-29. Review status: criteria provided, single submitter. Criteria: Ambry Variant Classification Scheme 2023. Collection method: clinical testing. Allele origin: germline.
Comment: The p.P642S variant (also known as c.1924C>T), located in coding exon 12 of the CDH2 gene, results from a C to T substitution at nucleotide position 1924. The proline at codon 642 is replaced by serine, an amino acid with similar properties. This amino acid position is conserved. In addition, this alteration is predicted to be tolerated by in silico analysis. Based on the available evidence, the clinical significance of this variant remains unclear.

NM_001792.5(CDH2):c.1924C>T (p.Pro642Ser)

Gene: CDH2 (cadherin 2; minus strand). Cytogenetic location: 18q12.1.
Variant type: single nucleotide variant.
Coding change: c.1924C>T on transcript NM_001792.5 (MANE Select); coding-DNA position 1924, C replaced by T.
Protein change: p.Pro642Ser; replaces proline 642 with serine.
Molecular consequence: missense variant.
Genome position (GRCh38, 1-based): chr18:27,985,579, G>A on the plus strand (C>T on the coding strand, the complement: CDH2 is on the minus strand). VCF-style: chr18-27985579-G-A. GRCh37 (hg19) VCF-style: chr18-25565543-G-A.
Other names: c.1831C>T, p.Pro611Ser (NM_001308176.2); short protein forms P642S, P611S.
Identifiers: ClinVar variation 2239265 (VCV002239265.5), dbSNP rs777119036, ClinGen allele CA8923280.
Genomic context (GRCh38, chr18:27,985,579, plus strand): 5'-TGTTCTTACCATTAAGCCGAGTGATGGTCCAATTTCTCTTAATAGTCACTGGAGATAAAG[G>A]AAGATCAAAAGCAAATGGTCCAGCATTTGGATCAATGTCATAATCAAGTGCTGTAATATT-3'
Protein context (NP_001783.2, residues 632-652): PNAGPFAFDL[Pro642Ser]LSPVTIKRNW